The following is an entry in ClinVar:

NM_018671.5(UNC45A):c.2120del (p.Lys707fs)

Gene: UNC45A (unc-45 myosin chaperone A; plus strand). Cytogenetic location: 15q26.1.
Variant type: Deletion.
Coding change: c.2120del on transcript NM_018671.5 (MANE Select); coding-DNA position 2120, one base deleted (A; older notation c.2120delA).
Protein change: p.Lys707fs; shifts the reading frame from lysine 707.
Molecular consequence: frameshift variant.
Genome position (GRCh38, 1-based): chr15:90,950,200, A deleted; the last of 3 consecutive A bases (chr15:90,950,198-90,950,200); deleting any one gives the same sequence. VCF-style (leftmost placement, unchanged base first): chr15-90950197-CA-C. GRCh37 (hg19) VCF-style: chr15-91493427-CA-C.
Other names: c.2075del, p.Lys692fs (NM_001039675.2, NM_001323621.2); c.2120del, p.Lys707fs (NM_001323619.1); c.1685del, p.Lys562fs (NM_001323620.2); short protein forms K707fs, K562fs, K692fs.
Identifiers: ClinVar variation 1939110 (VCV001939110.2), dbSNP rs1391543376, ClinGen allele CA619587249.

ClinVar aggregate classification (germline): Uncertain significance (1 of 4 stars; one submission).

Submission:

Labcorp Genetics (formerly Invitae), Labcorp
Classification: Uncertain significance. Last evaluated: 2022-04-17. Review status: criteria provided, single submitter. Criteria: Invitae Variant Classification Sherloc (09022015). Collection method: clinical testing. Allele origin: germline.
Comment: This sequence change creates a premature translational stop signal (p.Lys707Argfs*17) in the UNC45A gene. It is expected to result in an absent or disrupted protein product. However, the current clinical and genetic evidence is not sufficient to establish whether loss-of-function variants in UNC45A cause disease. This variant is present in population databases (no rsID available, gnomAD 0.002%). This variant has not been reported in the literature in individuals affected with UNC45A-related conditions. In summary, the available evidence is currently insufficient to determine the role of this variant in disease. Therefore, it has been classified as a Variant of Uncertain Significance.